The following is an entry in ClinVar:

NM_015295.3(SMCHD1):c.2408C>G (p.Thr803Ser)

Gene: SMCHD1 (structural maintenance of chromosomes flexible hinge domain containing 1; plus strand). Cytogenetic location: 18p11.32.
Variant type: single nucleotide variant.
Coding change: c.2408C>G on transcript NM_015295.3 (MANE Select); coding-DNA position 2408, C replaced by G.
Protein change: p.Thr803Ser; replaces threonine 803 with serine.
Molecular consequence: missense variant.
Genome position (GRCh38, 1-based): chr18:2,718,384, C>G. VCF-style: chr18-2718384-C-G. GRCh37 (hg19) VCF-style: chr18-2718382-C-G.
Other names: short protein forms T803S.
Identifiers: ClinVar variation 2192350 (VCV002192350.4), dbSNP rs1384932738, ClinGen allele CA401681316.
Genomic context (GRCh38, chr18:2,718,384, plus strand): 5'-AGAAGTTGGGGAATTATACCTTGAAATTACAAGTTGTGTTGAATGAAAGTAATGCAGACA[C>G]TTATGCAGGAAGACCACTACCATCTAAAGCAATTAAGTTTTCTGTTAAAGGTAAGCAAAA-3'
Protein context (NP_056110.2, residues 793-813): QVVLNESNAD[Thr803Ser]YAGRPLPSKA

ClinVar aggregate classification (germline): Uncertain significance (1 of 4 stars; one submission).

Conditions:
Facioscapulohumeral muscular dystrophy 2 (FSHD2). Also called: MUSCULAR DYSTROPHY, FACIOSCAPULOHUMERAL, TYPE 1B; FACIOSCAPULOHUMERAL MUSCULAR DYSTROPHY 2, DIGENIC; FSHD2, DIGENIC. Identifiers: Orphanet 269, MedGen C1834671, MONDO:0008031, OMIM 158901.

Allele frequency attached by ClinVar (database versions not stated): gnomAD exomes below 0.00001.
gnomAD v4.1: 2 of 1,612,592 alleles (0.00012%); highest among the groups gnomAD compares: Admixed American, 0.0033%; no homozygotes.

Submission:

Labcorp Genetics (formerly Invitae), Labcorp
Classification: Uncertain significance for Facioscapulohumeral muscular dystrophy 2. Last evaluated: 2023-09-22. Review status: criteria provided, single submitter. Criteria: Invitae Variant Classification Sherloc (09022015). Collection method: clinical testing. Allele origin: germline.
Comment: This sequence change replaces threonine, which is neutral and polar, with serine, which is neutral and polar, at codon 803 of the SMCHD1 protein (p.Thr803Ser). This variant is present in population databases (no rsID available, gnomAD 0.006%). This variant has not been reported in the literature in individuals affected with SMCHD1-related conditions. ClinVar contains an entry for this variant (Variation ID: 2192350). Advanced modeling of protein sequence and biophysical properties (such as structural, functional, and spatial information, amino acid conservation, physicochemical variation, residue mobility, and thermodynamic stability) performed at Invitae indicates that this missense variant is not expected to disrupt SMCHD1 protein function. In summary, the available evidence is currently insufficient to determine the role of this variant in disease. Therefore, it has been classified as a Variant of Uncertain Significance.